The following is an entry in ClinVar:

ClinVar aggregate classification (germline): Pathogenic/Likely pathogenic. Review status: criteria provided, multiple submitters, no conflicts (2 of 4 stars). 5 submissions from 5 submitters: Pathogenic (1); Likely pathogenic (3). 1 of the submissions does not count toward it. Last evaluated 2026-07-01.

Conditions:
Glycogen storage disease, type II (IOPD). Also called: POMPE DISEASE, INFANTILE-ONSET; GLYCOGEN STORAGE DISEASE II, INFANTILE-ONSET; ACID ALPHA-GLUCOSIDASE DEFICIENCY, INFANTILE-ONSET; GAA DEFICIENCY, INFANTILE-ONSET; ACID MALTASE DEFICIENCY, INFANTILE-ONSET; CARDIOMEGALIA GLYCOGENICA DIFFUSA. Identifiers: Orphanet 365, MedGen C0017921, MONDO:0009290, OMIM 232300.

Allele frequency attached by ClinVar (database versions not stated): TOPMed below 0.00001; gnomAD 0.00001.

Submissions (5):

Genomenon, Inc
Classification: Pathogenic for Glycogen storage disease, type II. Last evaluated: 2026-07-01. Review status: criteria provided, single submitter. Criteria: Genomenon Sequence Variant Interpretation Standards - Updated. Collection method: curation. Allele origin: germline. Affected: yes.
Comment: GAA c.2189+1G>T is a canonical splice variant affecting the donor splice site of intron 15. It is predicted to affect mRNA splicing, leading to a deleterious effect on the GAA protein. This variant has been observed in at least one proband with a GAA-related disorder (PMID:25783438). It is absent or not present at a significant frequency in gnomAD. In conclusion, we classify GAA c.2189+1G>T as a pathogenic variant.

Revvity Omics, Revvity
Classification: Likely pathogenic. Last evaluated: 2023-03-28. Review status: criteria provided, single submitter. Criteria: ACMG Guidelines, 2015. Collection method: clinical testing. Allele origin: germline.

Fulgent Genetics
Classification: Likely pathogenic for Glycogen storage disease, type II. Last evaluated: 2021-07-20. Review status: criteria provided, single submitter. Criteria: ACMG Guidelines, 2015. Collection method: clinical testing. Allele origin: unknown.

Breda Genetics srl
Classification: Likely pathogenic for Glycogen storage disease, type II. Last evaluated: 2021-04-30. Review status: criteria provided, single submitter. Criteria: ACMG Guidelines, 2015. Collection method: clinical testing. Allele origin: germline. Inheritance: Autosomal recessive inheritance. Affected: yes. Observed: 1 variant allele, 1 compound heterozygote.
Comment: The variant c.2189+1G>T in the GAA gene is reported as likely pathogenic for glycogen storage disease type 2 (Pompe disease) in ClinVar (Variation ID: 558223). The study was conducted in a cohort of patients with late-onset disease (after five years of age). The variant affects the donor splice site of intron 15 and is therefore highly likely to impact the splicing process by causing the retention of the following intron and the formation of an aberrant mRNA, which is unlikely to be exported and translated into protein. There is no information on frequency in gnomAD database.

Counsyl
Classification: Likely pathogenic for Glycogen storage disease, type II. Last evaluated: 2018-05-07. Review status: no assertion criteria provided. Collection method: clinical testing. Allele origin: unknown. Not counted in ClinVar's aggregate classification.

Literature cited by the submitters: PubMed 25783438 (cited by 3 submitters).

NM_000152.5(GAA):c.2189+1G>T

Gene: GAA (alpha glucosidase; plus strand). Cytogenetic location: 17q25.3.
Variant type: single nucleotide variant.
Coding change: c.2189+1G>T on transcript NM_000152.5 (MANE Select); the canonical splice donor site of the intron after coding-DNA position 2189, G replaced by T.
Molecular consequence: splice donor variant.
Genome position (GRCh38, 1-based): chr17:80,113,367, G>T. VCF-style: chr17-80113367-G-T. GRCh37 (hg19) VCF-style: chr17-78087166-G-T.
Other names: c.2189+1G>T (NM_001406741.1, NM_001406742.1, NM_001079803.3 and 1 more transcripts).
Identifiers: ClinVar variation 558223 (VCV000558223.7), dbSNP rs1209887739, ClinGen allele CA401370667.